The following is an entry in ClinVar:

ClinVar aggregate classification (germline): Uncertain significance (1 of 4 stars; one submission).

Conditions:
Hereditary pancreatitis (PCTT). Also called: Hereditary chronic pancreatitis; PRSS1-Related Hereditary Pancreatitis. Identifiers: Orphanet 676, MedGen C0238339, MONDO:0008185, OMIM 167800.

Allele frequency attached by ClinVar (database versions not stated): 1000 Genomes Project 30x 0.36493.

Submission:

Ambry Genetics
Classification: Uncertain significance for Hereditary pancreatitis. Last evaluated: 2021-08-09. Review status: criteria provided, single submitter. Criteria: Ambry Variant Classification Scheme 2023. Collection method: clinical testing. Allele origin: germline.
Comment: The p.G177V variant (also known as c.530G>T), located in coding exon 4 of the PRSS1 gene, results from a G to T substitution at nucleotide position 530. The glycine at codon 177 is replaced by valine, an amino acid with dissimilar properties. This amino acid position is conserved. In addition, this alteration is predicted to be deleterious by in silico analysis. Since supporting evidence is limited at this time, the clinical significance of this alteration remains unclear.

NM_002769.5(PRSS1):c.530G>T (p.Gly177Val)

Genes: TRB (T cell receptor beta locus; plus strand), PRSS1 (serine protease 1; plus strand). Cytogenetic location: 7q34.
Variant type: single nucleotide variant.
Coding change: c.530G>T on transcript NM_002769.5 (MANE Select); coding-DNA position 530, G replaced by T.
Protein change: p.Gly177Val; replaces glycine 177 with valine.
Molecular consequence: missense variant. On other transcripts: non-coding transcript variant (5).
Genome position (GRCh38, 1-based): chr7:142,752,506, G>T. VCF-style: chr7-142752506-G-T. GRCh37 (hg19) VCF-style: chr7-142460357-G-T.
Other names: short protein forms G177V.
Identifiers: ClinVar variation 1746759 (VCV001746759.2), dbSNP rs1468060476, ClinGen allele CA369610267.